The following is an entry in ClinVar:

ClinVar aggregate classification (germline): Pathogenic/Likely pathogenic. Review status: criteria provided, multiple submitters, no conflicts (2 of 4 stars). 4 submissions from 4 submitters: Pathogenic (2); Likely pathogenic (1). 1 of the submissions does not count toward it. Last evaluated 2024-06-01.

Conditions:
TYR-related disorder. Also called: TYR-related condition.
Oculocutaneous albinism type 1. Also called: Albinism 1; ALBINISM I. Identifiers: Orphanet 352731, MedGen C0268494, MONDO:0018135. Disease mechanism: loss of function.

Allele frequency attached by ClinVar (database versions not stated): gnomAD exomes below 0.00001; TOPMed 0.00003; gnomAD 0.00001.
gnomAD v4.1: 2 of 1,613,448 alleles (0.00012%); highest among the groups gnomAD compares: African/African-American, 0.0013%; no homozygotes.

Submissions (4):

Myriad Genetics, Inc.
Classification: Pathogenic for Oculocutaneous albinism type 1. Last evaluated: 2024-06-01. Review status: criteria provided, single submitter. Criteria: Myriad Autosomal Dominant, Autosomal Recessive and X-Linked Classification Criteria (2023). Collection method: clinical testing. Allele origin: unknown.
Comment: NM_000372.4(TYR):c.1132C>T(Q378*) is expected to be pathogenic in the context of oculocutaneous albinism, TYR-related. This variant is predicted to lead to an abnormal or absent protein product due to the creation of a premature termination codon in TYR, a gene where loss-of-function variants are known to be pathogenic. Please note: this variant was assessed in the context of healthy population screening.

Labcorp Genetics (formerly Invitae), Labcorp
Classification: Pathogenic. Last evaluated: 2023-11-01. Review status: criteria provided, single submitter. Criteria: Invitae Variant Classification Sherloc (09022015). Collection method: clinical testing. Allele origin: germline.
Comment: This sequence change creates a premature translational stop signal (p.Gln378*) in the TYR gene. It is expected to result in an absent or disrupted protein product. Loss-of-function variants in TYR are known to be pathogenic (PMID: 23504663). This variant is present in population databases (rs61754390, gnomAD 0.003%). This premature translational stop signal has been observed in individual(s) with oculocutaneous albinism (PMID: 1487241). ClinVar contains an entry for this variant (Variation ID: 99536). For these reasons, this variant has been classified as Pathogenic.

Blueprint Genetics
Classification: Likely pathogenic for TYR-related disorders. Last evaluated: 2022-03-25. Review status: criteria provided, single submitter. Criteria: ACMG Guidelines, 2015. Collection method: clinical testing. Allele origin: germline. Affected: yes. Observed: 3 variant alleles.

Retina International
No classification provided. Review status: no classification provided. Collection method: not provided. Allele origin: not provided. Not counted in ClinVar's aggregate classification.

Literature cited by the submitters: PubMed 23504663 (cited by Labcorp Genetics (formerly Invitae), Labcorp); PubMed 1487241 (cited by Labcorp Genetics (formerly Invitae), Labcorp).

NM_000372.5(TYR):c.1132C>T (p.Gln378Ter)

Gene: TYR (tyrosinase; plus strand). Cytogenetic location: 11q14.3.
Variant type: single nucleotide variant.
Coding change: c.1132C>T on transcript NM_000372.5 (MANE Select); coding-DNA position 1132, C replaced by T.
Protein change: p.Gln378Ter; replaces glutamine 378 with a stop codon.
Molecular consequence: nonsense.
Genome position (GRCh38, 1-based): chr11:89,227,918, C>T. VCF-style: chr11-89227918-C-T. GRCh37 (hg19) VCF-style: chr11-88961086-C-T.
Other names: short protein forms Q378*.
Identifiers: ClinVar variation 99536 (VCV000099536.6), dbSNP rs61754390, ClinGen allele CA227503.